The following is an entry in ClinVar:

NM_000520.6(HEXA):c.1217_1220delinsA (p.Leu406_Val407delinsHis)

Gene: HEXA (hexosaminidase subunit alpha; minus strand). Cytogenetic location: 15q23.
Variant type: Indel.
Coding change: c.1217_1220delinsA on transcript NM_000520.6 (MANE Select); coding-DNA positions 1217 to 1220, TGGT replaced by A.
Protein change: p.Leu406_Val407delinsHis.
Molecular consequence: inframe indel.
Genome position (GRCh38, 1-based): chr15:72,346,637-72,346,640, ACCA replaced by T on the plus strand (TGGT replaced by A on the coding strand, the reverse complement: HEXA is on the minus strand). VCF-style: chr15-72346637-ACCA-T. GRCh37 (hg19) VCF-style: chr15-72638978-ACCA-T.
Other names: c.1250_1253delinsA, p.Leu417_Val418delinsHis (NM_001318825.2).
Identifiers: ClinVar variation 965758 (VCV000965758.5), dbSNP rs1177678117, ClinGen allele CA1139664061.

ClinVar aggregate classification (germline): Likely pathogenic (1 of 4 stars; one submission).

Conditions:
Tay-Sachs disease (TSD). Also called: Hexosaminidase A Deficiency; HEXA Disorders; GM2 gangliosidosis, type 1; Hexosaminidase alpha-subunit deficiency (variant B); Sphingolipidosis, Tay-Sachs; HEXA DEFICIENCY. Identifiers: Orphanet 845, MedGen C0039373, MONDO:0010100, OMIM 272800.

Submission:

Labcorp Genetics (formerly Invitae), Labcorp
Classification: Likely pathogenic for Tay-Sachs disease. Last evaluated: 2024-02-19. Review status: criteria provided, single submitter. Criteria: Invitae Variant Classification Sherloc (09022015). Collection method: clinical testing. Allele origin: germline.
Comment: This variant, c.1217_1220delinsA, is a complex sequence change that results in the deletion of 2 and insertion of 1 amino acid(s) in the HEXA protein (p.Leu406_Val407delinsHis). This variant is not present in population databases (gnomAD no frequency). This variant has been observed in individual(s) with clinical features of Tay-Sachs disease (Invitae). In at least one individual the data is consistent with being in trans (on the opposite chromosome) from a pathogenic variant. This variant disrupts a region of the HEXA protein in which other variant(s) (p.Val407Phe) have been observed in individuals with HEXA-related conditions (PMID: 30006889). This suggests that this is a clinically significant region of the protein, and that variants that disrupt it are likely to be disease-causing. In summary, the currently available evidence indicates that the variant is pathogenic, but additional data are needed to prove that conclusively. Therefore, this variant has been classified as Likely Pathogenic.

Literature cited by the submitters: PubMed 30006889.